The following is an entry in ClinVar:

NM_004385.5(VCAN):c.5040C>G (p.Ser1680Arg)

Genes: VCAN-AS1 (VCAN antisense RNA 1; minus strand), VCAN (versican; plus strand). Cytogenetic location: 5q14.3.
Variant type: single nucleotide variant.
Coding change: c.5040C>G on transcript NM_004385.5 (MANE Select); coding-DNA position 5040, C replaced by G.
Protein change: p.Ser1680Arg; replaces serine 1680 with arginine.
Molecular consequence: missense variant. On other transcripts: intron variant (2).
Genome position (GRCh38, 1-based): chr5:83,538,043, C>G. VCF-style: chr5-83538043-C-G. GRCh37 (hg19) VCF-style: chr5-82833862-C-G.
Other names: c.2079C>G, p.Ser693Arg (NM_001164097.2); c.4004-7494C>G (NM_001164098.2); c.1043-7494C>G (NM_001126336.3); c.5040C>G (NM_004385.4); short protein forms S693R, S1680R.
Identifiers: ClinVar variation 2988079 (VCV002988079.5), dbSNP rs746936031, ClinGen allele CA3333270.

ClinVar aggregate classification (germline): Uncertain significance. Review status: criteria provided, multiple submitters, no conflicts (2 of 4 stars). 3 submissions from 3 submitters: Uncertain significance (3). Last evaluated 2025-09-16.

Conditions:
VCAN-related disorder. Also called: VCAN-related condition.
Inborn genetic diseases. Identifiers: MedGen C0950123, MeSH D030342.

Allele frequency attached by ClinVar (database versions not stated): gnomAD 0.00001; ExAC 0.00002; gnomAD exomes 0.00002.
gnomAD v4.1: 24 of 1,613,896 alleles (0.0015%); highest among the groups gnomAD compares: Non-Finnish European, 0.0019%; no homozygotes.

Submissions (3):

PreventionGenetics, part of Exact Sciences
Classification: Uncertain significance for VCAN-related condition. Last evaluated: 2025-09-16. Review status: criteria provided, single submitter. Criteria: ACMG Guidelines, 2015. Collection method: clinical testing. Allele origin: germline.
Comment: The VCAN c.5040C>G variant is predicted to result in the amino acid substitution p.Ser1680Arg. To our knowledge, this variant has not been reported in the literature. This variant is reported in 0.0023% of alleles in individuals of European (Non-Finnish) descent in gnomAD. At this time, the clinical significance of this variant is uncertain due to the absence of conclusive functional and genetic evidence.

Labcorp Genetics (formerly Invitae), Labcorp
Classification: Uncertain significance. Last evaluated: 2024-12-23. Review status: criteria provided, single submitter. Criteria: Invitae Variant Classification Sherloc (09022015). Collection method: clinical testing. Allele origin: germline.
Comment: This sequence change replaces serine, which is neutral and polar, with arginine, which is basic and polar, at codon 1680 of the VCAN protein (p.Ser1680Arg). This variant is present in population databases (rs746936031, gnomAD 0.002%). This variant has not been reported in the literature in individuals affected with VCAN-related conditions. ClinVar contains an entry for this variant (Variation ID: 2988079). An algorithm developed to predict the effect of missense changes on protein structure and function (PolyPhen-2) suggests that this variant is likely to be disruptive. In summary, the available evidence is currently insufficient to determine the role of this variant in disease. Therefore, it has been classified as a Variant of Uncertain Significance.

Ambry Genetics
Classification: Uncertain significance for Inborn genetic diseases. Last evaluated: 2023-09-29. Review status: criteria provided, single submitter. Criteria: Ambry Variant Classification Scheme 2023. Collection method: clinical testing. Allele origin: germline.